The following is an entry in ClinVar:

NM_030930.4(UNC93B1):c.1715dup (p.Glu574fs)

Gene: UNC93B1 (unc-93B1 regulator of TLR signaling; minus strand). Cytogenetic location: 11q13.2.
Variant type: Duplication.
Coding change: c.1715dup on transcript NM_030930.4 (MANE Select); coding-DNA position 1715, one base duplicated (G; older notation c.1715dupG).
Protein change: p.Glu574fs; shifts the reading frame from glutamic acid 574.
Molecular consequence: frameshift variant.
Genome position (GRCh38, 1-based): chr11:67,991,625, C duplicated on the plus strand (G on the coding strand, the reverse complement: UNC93B1 is on the minus strand); the first of 2 consecutive C bases (chr11:67,991,625-67,991,626); duplicating either gives the same sequence. VCF-style (leftmost placement, unchanged base first): chr11-67991624-G-GC. GRCh37 (hg19) VCF-style: chr11-67759095-G-GC.
Other names: c.1714dupG (NM_030930.2); short protein forms E574fs.
Identifiers: ClinVar variation 4866333 (VCV004866333.1).

ClinVar aggregate classification (germline): Uncertain significance (1 of 4 stars; one submission).

Submission:

Ambry Genetics
Classification: Uncertain significance. Last evaluated: 2026-05-06. Review status: criteria provided, single submitter. Criteria: Ambry Variant Classification Scheme 2023. Collection method: clinical testing. Allele origin: germline.
Comment: The c.1714dupG (p.E574Rfs*144) alteration, located in exon 11 (coding exon 11) of the UNC93B1 gene, consists of a duplication of G at position 1714, causing a translational frameshift with a predicted alternate stop codon after 144 amino acids. This variant occurs at the 3' terminus of the UNC93B1 gene, is not expected to trigger nonsense-mediated mRNA decay and results in the elongation of the protein by 119 amino acids. This frameshift impacts the last 4% of amino acids of the native protein. The exact functional effect of the altered amino acids is unknown. This variant was not reported in population-based cohorts in the Genome Aggregation Database (gnomAD). Based on insufficient or conflicting evidence, the clinical significance of this alteration remains unclear.